The following is an entry in ClinVar:

NM_006000.3(TUBA4A):c.1113G>A (p.Val371=)

Gene: TUBA4A (tubulin alpha 4a; minus strand). Cytogenetic location: 2q35.
Variant type: single nucleotide variant.
Coding change: c.1113G>A on transcript NM_006000.3 (MANE Select); coding-DNA position 1113, G replaced by A.
Protein change: p.Val371=; no amino-acid change (valine 371 retained).
Molecular consequence: synonymous variant.
Genome position (GRCh38, 1-based): chr2:219,250,586, C>T on the plus strand (G>A on the coding strand, the complement: TUBA4A is on the minus strand). VCF-style: chr2-219250586-C-T. GRCh37 (hg19) VCF-style: chr2-220115308-C-T.
Other names: c.1068G>A, p.Val356= (NM_001278552.2).
Identifiers: ClinVar variation 3344944 (VCV003344944.1).

ClinVar aggregate classification (germline): Likely benign (0 of 4 stars; one submission).

Conditions:
TUBA4A-related disorder. Also called: TUBA4A-related condition.

gnomAD v4.1: 6 of 1,614,240 alleles (0.00037%); highest among the groups gnomAD compares: East Asian, 0.0067%; no homozygotes.

Submission:

PreventionGenetics, part of Exact Sciences
Classification: Likely benign for TUBA4A-related condition. Last evaluated: 2024-07-03. Review status: no assertion criteria provided. Collection method: clinical testing. Allele origin: germline.
Comment: This variant is classified as likely benign based on ACMG/AMP sequence variant interpretation guidelines (Richards et al. 2015 PMID: 25741868, with internal and published modifications).